The following is an entry in ClinVar:

NM_138711.6(PPARG):c.1258A>C (p.Lys420Gln)

Gene: PPARG (peroxisome proliferator activated receptor gamma; plus strand). Cytogenetic location: 3p25.2.
Variant type: single nucleotide variant.
Coding change: c.1258A>C on transcript NM_138711.6 (MANE Select); coding-DNA position 1258, A replaced by C.
Protein change: p.Lys420Gln; replaces lysine 420 with glutamine.
Molecular consequence: missense variant. On other transcripts: 3 prime UTR variant (5).
Genome position (GRCh38, 1-based): chr3:12,433,975, A>C. VCF-style: chr3-12433975-A-C. GRCh37 (hg19) VCF-style: chr3-12475474-A-C.
Other names: c.*60A>C (NM_001330615.4, NM_001374261.3, NM_001374262.3 and 1 more transcripts); c.1258A>C, p.Lys420Gln (NM_001354666.3, NM_001354667.3, NM_001374263.2 and 3 more transcripts); c.631A>C, p.Lys211Gln (NM_001354669.2); c.*44A>C (NM_001374266.1); c.1348A>C, p.Lys450Gln (NM_015869.5); short protein forms K450Q, K211Q, K420Q.
Identifiers: ClinVar variation 130018 (VCV000130018.9), dbSNP rs587780424, ClinGen allele CA231410.

ClinVar aggregate classification (germline): Uncertain significance. Review status: criteria provided, multiple submitters, no conflicts (2 of 4 stars). 2 submissions from 2 submitters: Uncertain significance (2). Last evaluated 2023-06-05.

Allele frequency attached by ClinVar (database versions not stated): gnomAD exomes below 0.00001.
gnomAD v4.1: 3 of 1,614,236 alleles (0.00019%); highest among the groups gnomAD compares: Non-Finnish European, 0.00017%; no homozygotes.

Submissions (2):

Labcorp Genetics (formerly Invitae), Labcorp
Classification: Uncertain significance. Last evaluated: 2023-06-05. Review status: criteria provided, single submitter. Criteria: Invitae Variant Classification Sherloc (09022015). Collection method: clinical testing. Allele origin: germline.
Comment: Experimental studies are conflicting or provide insufficient evidence to determine the effect of this variant on PPARG function (PMID: 12591919, 30595551). In summary, the available evidence is currently insufficient to determine the role of this variant in disease. Therefore, it has been classified as a Variant of Uncertain Significance. Advanced modeling of protein sequence and biophysical properties (such as structural, functional, and spatial information, amino acid conservation, physicochemical variation, residue mobility, and thermodynamic stability) performed at Invitae indicates that this missense variant is not expected to disrupt PPARG protein function. ClinVar contains an entry for this variant (Variation ID: 130018). This variant is also known as K422Q. This variant is not present in population databases (gnomAD no frequency). This sequence change replaces lysine, which is basic and polar, with glutamine, which is neutral and polar, at codon 450 of the PPARG protein (p.Lys450Gln). This variant has not been reported in the literature in individuals affected with PPARG-related conditions.

Genetic Services Laboratory, University of Chicago
Classification: Uncertain significance. Last evaluated: 2013-10-17. Review status: criteria provided, single submitter. Criteria: ACMG Guidelines, 2007. Collection method: clinical testing. Allele origin: germline. Inheritance: Autosomal dominant inheritance.

Literature cited by the submitters: PubMed 12591919 (cited by Labcorp Genetics (formerly Invitae), Labcorp); PubMed 30595551 (cited by Labcorp Genetics (formerly Invitae), Labcorp).